The following is an entry in ClinVar:

NM_000214.3(JAG1):c.1363del (p.Gly456fs)

Gene: JAG1 (jagged canonical Notch ligand 1; minus strand). Cytogenetic location: 20p12.2.
Variant type: Deletion.
Coding change: c.1363del on transcript NM_000214.3 (MANE Select); coding-DNA position 1363, one base deleted (C; older notation c.1363delC).
Protein change: p.Gly456fs; shifts the reading frame from glycine 456.
Molecular consequence: frameshift variant.
Genome position (GRCh38, 1-based): chr20:10,649,093, G deleted on the plus strand (C on the coding strand, the reverse complement: JAG1 is on the minus strand); the first of 2 consecutive G bases (chr20:10,649,093-10,649,094); deleting either gives the same sequence. VCF-style (leftmost placement, unchanged base first): chr20-10649092-AG-A. GRCh37 (hg19) VCF-style: chr20-10629740-AG-A.
Other names: c.1363delC (NM_000214.3); short protein forms G456fs.
Identifiers: ClinVar variation 1458903 (VCV001458903.7), dbSNP rs2122609680, ClinGen allele CA2573156850.
Genomic context (GRCh38, chr20:10,649,092, plus strand): 5'-AGTTTTGATTTAAGCAAAGATTTACATACCCGACAGGAGGCGTCATTCTGACACTGGCCA[AG>A]GCAGTCATTAATATCTAAAAAATAAATAAGTCATCATTTTAAAGAGGTAATTTACAGTGA-3'

ClinVar aggregate classification (germline): Pathogenic. Review status: criteria provided, multiple submitters, no conflicts (2 of 4 stars). 2 submissions from 2 submitters: Pathogenic (2). Last evaluated 2025-09-18.

Conditions:
Alagille syndrome due to a JAG1 point mutation. Also called: Alagille Syndrome 1; HEPATIC DUCTULAR HYPOPLASIA, SYNDROMATIC; JAG1-Related Alagille Syndrome. Identifiers: Orphanet 261619, Orphanet 52, MedGen C1956125, MONDO:0016862, OMIM 118450.

Submissions (2):

Women's Health and Genetics/Laboratory Corporation of America, LabCorp
Classification: Pathogenic for Alagille syndrome due to a JAG1 point mutation. Last evaluated: 2025-09-18. Review status: criteria provided, single submitter. Criteria: LabCorp Variant Classification Summary - May 2015. Collection method: clinical testing. Allele origin: germline.
Comment: Variant summary: JAG1 c.1363delC (p.Gly456AlafsX42) results in a premature termination codon, predicted to cause a truncation of the encoded protein or absence of the protein due to nonsense mediated decay, which are commonly known mechanisms for disease. The variant was absent in 251216 control chromosomes. To our knowledge, no occurrence of c.1363delC in individuals affected with JAG1-related conditions and no experimental evidence demonstrating its impact on protein function have been reported. ClinVar contains an entry for this variant (Variation ID: 1458903). Based on the evidence outlined above, the variant was classified as pathogenic.

Labcorp Genetics (formerly Invitae), Labcorp
Classification: Pathogenic for Alagille syndrome due to a JAG1 point mutation. Last evaluated: 2021-02-10. Review status: criteria provided, single submitter. Criteria: Invitae Variant Classification Sherloc (09022015). Collection method: clinical testing. Allele origin: germline.
Comment: This sequence change creates a premature translational stop signal (p.Gly456Alafs*42) in the JAG1 gene. It is expected to result in an absent or disrupted protein product. Loss-of-function variants in JAG1 are known to be pathogenic (PMID: 11180599). This variant is not present in population databases (ExAC no frequency). This variant has not been reported in the literature in individuals with JAG1-related conditions. For these reasons, this variant has been classified as Pathogenic.

Literature cited by the submitters: PubMed 11180599 (cited by Labcorp Genetics (formerly Invitae), Labcorp).